The following is an entry in ClinVar:

ClinVar aggregate classification (germline): Uncertain significance (1 of 4 stars; one submission).

Submission:

GeneDx
Classification: Uncertain significance. Last evaluated: 2023-01-03. Review status: criteria provided, single submitter. Criteria: GeneDx Variant Classification Process June 2021. Collection method: clinical testing. Allele origin: germline. Affected: yes.
Comment: Not observed at significant frequency in large population cohorts (gnomAD); Missense variants in this gene are often considered pathogenic (HGMD); In silico analysis supports that this missense variant does not alter protein structure/function; Has not been previously published as pathogenic or benign to our knowledge; This substitution is predicted to be within the N-terminal cytoplasmic domain.

NM_001040142.2(SCN2A):c.331A>G (p.Ile111Val)

Gene: SCN2A (sodium voltage-gated channel alpha subunit 2; plus strand). Cytogenetic location: 2q24.3.
Variant type: single nucleotide variant.
Coding change: c.331A>G on transcript NM_001040142.2 (MANE Select); coding-DNA position 331, A replaced by G.
Protein change: p.Ile111Val; replaces isoleucine 111 with valine.
Molecular consequence: missense variant.
Genome position (GRCh38, 1-based): chr2:165,297,080, A>G. VCF-style: chr2-165297080-A-G. GRCh37 (hg19) VCF-style: chr2-166153590-A-G.
Other names: c.331A>G, p.Ile111Val (NM_001040143.2, NM_001371246.1, NM_001371247.1 and 1 more transcripts); short protein forms I111V.
Identifiers: ClinVar variation 2507193 (VCV002507193.1), dbSNP rs2467844510, ClinGen allele CA349011614.